The following is an entry in ClinVar:

NM_001267550.2(TTN):c.83580G>A (p.Val27860=)

Genes: TTN (titin; minus strand), TTN-AS1 (TTN antisense RNA 1; plus strand). Cytogenetic location: 2q31.2.
Variant type: single nucleotide variant.
Coding change: c.83580G>A on transcript NM_001267550.2 (MANE Select); coding-DNA position 83580, G replaced by A.
Protein change: p.Val27860=; no amino-acid change (valine 27860 retained).
Molecular consequence: synonymous variant.
Genome position (GRCh38, 1-based): chr2:178,562,552, C>T on the plus strand (G>A on the coding strand, the complement: TTN is on the minus strand). VCF-style: chr2-178562552-C-T. GRCh37 (hg19) VCF-style: chr2-179427279-C-T.
Other names: c.78657G>A, p.Val26219= (NM_001256850.1); c.56385G>A, p.Val18795= (NM_003319.4); c.75876G>A, p.Val25292= (NM_133378.4); c.56760G>A, p.Val18920= (NM_133432.3); c.56961G>A, p.Val18987= (NM_133437.4).
Identifiers: ClinVar variation 501193 (VCV000501193.47), dbSNP rs200096597, ClinGen allele CA1988901.

ClinVar aggregate classification (germline): Conflicting classifications of pathogenicity. Review status: criteria provided, conflicting classifications (1 of 4 stars). 7 submissions from 7 submitters: Uncertain significance (1); Likely benign (6). Last evaluated 2026-01-27.

Conditions:
TTN-related disorder. Also called: TTN-related condition; TTN-related disease; TTN-related disorders.
Cardiovascular phenotype. Identifiers: MedGen CN230736.
Dilated cardiomyopathy 1G (CMD1G). Identifiers: Orphanet 154, MedGen C1858763, MONDO:0011400, OMIM 604145.
Autosomal recessive limb-girdle muscular dystrophy type 2J (LGMDR10). Also called: Limb-girdle muscular dystrophy, type 2J; MUSCULAR DYSTROPHY, LIMB-GIRDLE, AUTOSOMAL RECESSIVE 10. Identifiers: Orphanet 140922, MedGen C1837342, MONDO:0012127, OMIM 608807.

Allele frequency attached by ClinVar (database versions not stated): ExAC 0.00002; gnomAD 0.00003 and 0.00004; TOPMed 0.00003; gnomAD exomes 0.00004 and 0.00016.
gnomAD v4.1: 230 of 1,610,106 alleles (0.014%); highest among the groups gnomAD compares: Non-Finnish European, 0.019%; no homozygotes.

Submissions (7):

Labcorp Genetics (formerly Invitae), Labcorp
Classification: Likely benign for Dilated cardiomyopathy 1G; Autosomal recessive limb-girdle muscular dystrophy type 2J. Last evaluated: 2026-01-27. Review status: criteria provided, single submitter. Criteria: Invitae Variant Classification Sherloc (09022015). Collection method: clinical testing. Allele origin: germline.

PreventionGenetics, part of Exact Sciences
Classification: Likely benign for TTN-related condition. Last evaluated: 2025-12-08. Review status: criteria provided, single submitter. Criteria: ACMG Guidelines, 2015. Collection method: clinical testing. Allele origin: germline.
Comment: This variant is classified as likely benign based on ACMG/AMP sequence variant interpretation guidelines (Richards et al. 2015 PMID: 25741868, with internal and published modifications).

Women's Health and Genetics/Laboratory Corporation of America, LabCorp
Classification: Likely benign. Last evaluated: 2023-12-17. Review status: criteria provided, single submitter. Criteria: LabCorp Variant Classification Summary - May 2015. Collection method: clinical testing. Allele origin: germline.

CeGaT Center for Human Genetics Tuebingen
Classification: Likely benign. Last evaluated: 2023-10-01. Review status: criteria provided, single submitter. Criteria: CeGaT Center For Human Genetics Tuebingen Variant Classification Criteria Version 2. Collection method: clinical testing. Allele origin: germline. Affected: yes. Observed: 1 variant allele.
Comment: TTN: BP4, BP7

Ambry Genetics
Classification: Likely benign for Cardiovascular phenotype. Last evaluated: 2022-02-16. Review status: criteria provided, single submitter. Criteria: Ambry Variant Classification Scheme 2023. Collection method: clinical testing. Allele origin: germline.

GeneDx
Classification: Likely benign. Last evaluated: 2018-03-13. Review status: criteria provided, single submitter. Criteria: GeneDx Variant Classification (06012015). Collection method: clinical testing. Allele origin: germline. Affected: yes.
Comment: This variant is considered likely benign or benign based on one or more of the following criteria: it is a conservative change, it occurs at a poorly conserved position in the protein, it is predicted to be benign by multiple in silico algorithms, and/or has population frequency not consistent with disease.

Eurofins Ntd Llc (ga)
Classification: Uncertain significance. Last evaluated: 2017-04-03. Review status: criteria provided, single submitter. Criteria: EGL Classification Definitions 2015. Collection method: clinical testing. Allele origin: germline. Observed: 1 variant allele, 1 heterozygote.